The following is an entry in ClinVar:

NM_003922.4(HERC1):c.13612-6C>G

Gene: HERC1 (HECT and RLD domain containing E3 ubiquitin protein ligase family member 1; minus strand). Cytogenetic location: 15q22.31.
Variant type: single nucleotide variant.
Coding change: c.13612-6C>G on transcript NM_003922.4 (MANE Select); 6 bases into the intron before coding-DNA position 13612, C replaced by G.
Molecular consequence: intron variant.
Genome position (GRCh38, 1-based): chr15:63,622,897, G>C on the plus strand (C>G on the coding strand, the complement: HERC1 is on the minus strand). VCF-style: chr15-63622897-G-C. GRCh37 (hg19) VCF-style: chr15-63915096-G-C.
Identifiers: ClinVar variation 726645 (VCV000726645.11), dbSNP rs370925074, ClinGen allele CA7603688.

ClinVar aggregate classification (germline): Benign. Review status: criteria provided, single submitter (1 of 4 stars). 2 submissions from 2 submitters: Benign (1). 1 of the submissions does not count toward it. Last evaluated 2026-01-19.

Conditions:
HERC1-related disorder. Also called: HERC1-related condition.

Allele frequency attached by ClinVar (database versions not stated): gnomAD 0.00006 and 0.00064; TOPMed 0.00021; gnomAD exomes 0.00122 and 0.00259; 1000 Genomes Project 0.00399; 1000 Genomes Project 30x 0.00437; ExAC 0.00462.
gnomAD v4.1: 1,863 of 1,579,738 alleles (0.12%); highest among the groups gnomAD compares: South Asian, 1.9%; 35 homozygotes.

Submissions (2):

Labcorp Genetics (formerly Invitae), Labcorp
Classification: Benign. Last evaluated: 2026-01-19. Review status: criteria provided, single submitter. Criteria: Invitae Variant Classification Sherloc (09022015). Collection method: clinical testing. Allele origin: germline.

PreventionGenetics, part of Exact Sciences
Classification: Benign for HERC1-related condition. Last evaluated: 2019-04-29. Review status: no assertion criteria provided. Collection method: clinical testing. Allele origin: germline. Not counted in ClinVar's aggregate classification.
Comment: This variant is classified as benign based on ACMG/AMP sequence variant interpretation guidelines (Richards et al. 2015 PMID: 25741868, with internal and published modifications).